The following is an entry in ClinVar:

NM_005477.3(HCN4):c.1A>G (p.Met1Val)

Gene: HCN4 (hyperpolarization activated cyclic nucleotide gated potassium channel 4; minus strand). Cytogenetic location: 15q24.1.
Variant type: single nucleotide variant.
Coding change: c.1A>G on transcript NM_005477.3 (MANE Select); coding-DNA position 1, A replaced by G.
Protein change: p.Met1Val; changes the start codon (methionine 1).
Molecular consequence: missense variant, initiator codon variant.
Genome position (GRCh38, 1-based): chr15:73,368,270, T>C on the plus strand (A>G on the coding strand, the complement: HCN4 is on the minus strand). VCF-style: chr15-73368270-T-C. GRCh37 (hg19) VCF-style: chr15-73660611-T-C.
Other names: short protein forms M1V.
Identifiers: ClinVar variation 2200573 (VCV002200573.4), dbSNP rs1453814089, ClinGen allele CA393099307.

ClinVar aggregate classification (germline): Uncertain significance (1 of 4 stars; one submission).

Conditions:
Brugada syndrome 8 (BRGDA8). Identifiers: Orphanet 130, MedGen C2751083, MONDO:0013148, OMIM 613123.

Allele frequency attached by ClinVar (database versions not stated): TOPMed below 0.00001; gnomAD exomes 0.00001.

Submission:

Labcorp Genetics (formerly Invitae), Labcorp
Classification: Uncertain significance for Brugada syndrome 8. Last evaluated: 2025-02-05. Review status: criteria provided, single submitter. Criteria: Invitae Variant Classification Sherloc (09022015). Collection method: clinical testing. Allele origin: germline.
Comment: This sequence change affects the initiator methionine of the HCN4 mRNA. The next in-frame methionine is located at codon 8. The frequency data for this variant in the population databases is considered unreliable, as metrics indicate poor data quality at this position in the gnomAD database. This variant has not been reported in the literature in individuals affected with HCN4-related conditions. ClinVar contains an entry for this variant (Variation ID: 2200573). Experimental studies and prediction algorithms are not available or were not evaluated, and the functional significance of this variant is currently unknown. In summary, the available evidence is currently insufficient to determine the role of this variant in disease. Therefore, it has been classified as a Variant of Uncertain Significance.